The following is an entry in ClinVar:

NM_032043.3(BRIP1):c.1986T>C (p.Ala662=)

Gene: BRIP1 (BRCA1 interacting DNA helicase 1; minus strand). Cytogenetic location: 17q23.2.
Variant type: single nucleotide variant.
Coding change: c.1986T>C on transcript NM_032043.3 (MANE Select); coding-DNA position 1986, T replaced by C.
Protein change: p.Ala662=; no amino-acid change (alanine 662 retained).
Molecular consequence: synonymous variant.
Genome position (GRCh38, 1-based): chr17:61,776,512, A>G on the plus strand (T>C on the coding strand, the complement: BRIP1 is on the minus strand). VCF-style: chr17-61776512-A-G. GRCh37 (hg19) VCF-style: chr17-59853873-A-G.
Identifiers: ClinVar variation 3378504 (VCV003378504.2).

ClinVar aggregate classification (germline): Benign/Likely benign. Review status: criteria provided, multiple submitters, no conflicts (2 of 4 stars). 2 submissions from 2 submitters: Benign (1); Likely benign (1). Last evaluated 2025-11-16.

Conditions:
Hereditary cancer-predisposing syndrome. Also called: Neoplastic Syndromes, Hereditary; Tumor predisposition; Hereditary Cancer Syndrome; Hereditary neoplastic syndrome. Identifiers: Orphanet 140162, MedGen C0027672, MeSH D009386, MONDO:0015356.
Familial cancer of breast. Also called: hereditary breast carcinoma; Hereditary breast cancer; BREAST CANCER, FAMILIAL. Identifiers: Orphanet 227535, MedGen C0346153, MONDO:0016419, OMIM 114480. Disease mechanism: loss of function.

Submissions (2):

Ambry Genetics
Classification: Likely benign for Hereditary cancer-predisposing syndrome. Last evaluated: 2025-11-16. Review status: criteria provided, single submitter. Criteria: Ambry Variant Classification Scheme 2023. Collection method: clinical testing. Allele origin: germline.

Myriad Genetics, Inc.
Classification: Benign for Familial cancer of breast. Last evaluated: 2024-09-03. Review status: criteria provided, single submitter. Criteria: Myriad Autosomal Dominant, Autosomal Recessive and X-Linked Classification Criteria (2023). Collection method: clinical testing. Allele origin: unknown.
Comment: This variant is considered benign. This variant is a silent/synonymous amino acid change and it is not expected to impact splicing.